The following is an entry in ClinVar:

ClinVar aggregate classification (germline): Likely pathogenic (1 of 4 stars; one submission).

Conditions:
Intellectual developmental disorder with speech delay, autism, and dysmorphic facies. Identifiers: MedGen C5231456, MONDO:0032864, OMIM 618672.

Submission:

Cytogenetique et Genetique Moleculaire, CHU Besancon
Classification: Likely pathogenic for Intellectual developmental disorder with speech delay, autism, and dysmorphic facies. Last evaluated: 2023-08-13. Review status: criteria provided, single submitter. Criteria: ACMG Guidelines, 2015. Collection method: clinical testing. Allele origin: germline. Affected: yes.
Comment: The NM_014516.4:c.1438dup variant is an frameshift variant in CNOT3 which is predicted to result in a premature stop codon, and likely results in an absent or disrupted protein product (PVS1). This variant is not present in gnomAD (PM2; v4.1.0). In summary, this variant meets criteria to be classified as likely pathogenic for CNOT3-related neurodevelopmental disorders based on the ACMG/AMP criteria applied (PVS1 PM2).

NM_014516.4(CNOT3):c.1438dup (p.Ala480fs)

Gene: CNOT3 (CCR4-NOT transcription complex subunit 3; plus strand). Cytogenetic location: 19q13.42.
Variant type: Duplication.
Coding change: c.1438dup on transcript NM_014516.4 (MANE Select); coding-DNA position 1438, one base duplicated (G; older notation c.1438dupG).
Protein change: p.Ala480fs; shifts the reading frame from alanine 480.
Molecular consequence: frameshift variant.
Genome position (GRCh38, 1-based): chr19:54,149,591, G duplicated; the last of 5 consecutive G bases (chr19:54,149,587-54,149,591); duplicating any one gives the same sequence. VCF-style (leftmost placement, unchanged base first): chr19-54149586-C-CG. GRCh37 (hg19) VCF-style: chr19-54653321-C-CG.
Other names: short protein forms A480fs.
Identifiers: ClinVar variation 3387810 (VCV003387810.1).
Genomic context (GRCh38, chr19:54,149,586, plus strand): 5'-CCTCTCAACCCCCTCTTCCATGCTCTCTCTCCAGGAAGGAACCCAGTGCGGCAGCCCCAA[C>CG]GGGGGCTGGGGGCGTGGCCCCAGGCTCAGGGAACAACTCAGGGGGACCCAGCCTCCTGGT-3'